The following is an entry in ClinVar:

ClinVar aggregate classification (germline): Uncertain significance (1 of 4 stars; one submission).

Conditions:
SSBP1-related disorder.

gnomAD v4.1: 2 of 1,600,706 alleles (0.00012%); highest among the groups gnomAD compares: Admixed American, 0.0034%; no homozygotes.

Submission:

3billion
Classification: Uncertain significance for SSBP1-related disorder. Last evaluated: 2024-11-12. Review status: criteria provided, single submitter. Criteria: ACMG Guidelines, 2015. Collection method: clinical testing. Allele origin: germline. Affected: yes.
Comment: The variant is observed at an extremely low frequency in the gnomAD v4.1.0 dataset (total allele frequency: <0.001%). Predicted Consequence/Location: Intron variant In silico tools do not predict the variant to alter splicing and produce an abnormal transcript [SpliceAI: 0.19 (<=0.1, moderate evidence for non-spliceogenicity)]. However, the prediction score SpliceAI: 0.19 is not significant and therefore functional studies should be performed to observe the exact consequence. Therefore, this variant is classified as VUS according to the recommendation of ACMG/AMP guideline.

NM_003143.3(SSBP1):c.24+3A>G

Gene: SSBP1 (single stranded DNA binding protein 1; plus strand). Cytogenetic location: 7q34.
Variant type: single nucleotide variant.
Coding change: c.24+3A>G on transcript NM_003143.3 (MANE Select); 3 bases into the intron after coding-DNA position 24, A replaced by G.
Molecular consequence: intron variant.
Genome position (GRCh38, 1-based): chr7:141,739,193, A>G. VCF-style: chr7-141739193-A-G. GRCh37 (hg19) VCF-style: chr7-141438993-A-G.
Other names: c.24+3A>G (NM_001256511.1, NM_001256512.1, NM_001256513.1 and 1 more transcripts).
Identifiers: ClinVar variation 4293787 (VCV004293787.1).
Genomic context (GRCh38, chr7:141,739,193, plus strand): 5'-AAAGATTAGACTGTAAGAAAAGAAAATAGAAGCCATGTTTCGAAGACCTGTATTACAGGT[A>G]GTCACTTGTCTGTATTAATACTGAGATGTATTACTATCAGCCACAGTGATCAGAAGACTT-3'